The following is an entry in ClinVar:

ClinVar aggregate classification (germline): Benign/Likely benign. Review status: criteria provided, multiple submitters, no conflicts (2 of 4 stars). 3 submissions from 3 submitters: Benign (1); Likely benign (2). Last evaluated 2026-06-24.

Conditions:
Ataxia-telangiectasia syndrome (AT). Also called: LOUIS-BAR SYNDROME; Cerebello-oculocutaneous telangiectasia; Immunodeficiency with ataxia telangiectasia; AT, COMPLEMENTATION GROUP C; Ataxia-telangiectasia, complementation group D; Ataxia-telangiectasia. Identifiers: Orphanet 100, MedGen C0004135, MONDO:0008840, OMIM 208900.
Familial cancer of breast. Also called: BREAST CANCER, FAMILIAL; Hereditary breast cancer; hereditary breast carcinoma. Identifiers: Orphanet 227535, MedGen C0346153, MONDO:0016419, OMIM 114480. Disease mechanism: loss of function.
Hereditary cancer-predisposing syndrome. Also called: Neoplastic Syndromes, Hereditary; Tumor predisposition; Hereditary Cancer Syndrome; Hereditary neoplastic syndrome. Identifiers: Orphanet 140162, MedGen C0027672, MeSH D009386, MONDO:0015356.

Allele frequency attached by ClinVar (database versions not stated): gnomAD exomes below 0.00001.
gnomAD v4.1: 1 of 1,613,956 alleles (0.000062%); highest among the groups gnomAD compares: Non-Finnish European, 0.000085%; no homozygotes.

Submissions (3):

Ambry Genetics
Classification: Likely benign for Hereditary cancer-predisposing syndrome. Last evaluated: 2026-06-24. Review status: criteria provided, single submitter. Criteria: Ambry Variant Classification Scheme 2023. Collection method: clinical testing. Allele origin: germline.

Labcorp Genetics (formerly Invitae), Labcorp
Classification: Likely benign for Ataxia-telangiectasia syndrome. Last evaluated: 2025-03-09. Review status: criteria provided, single submitter. Criteria: Invitae Variant Classification Sherloc (09022015). Collection method: clinical testing. Allele origin: germline.

Myriad Genetics, Inc.
Classification: Benign for Familial cancer of breast. Last evaluated: 2024-05-14. Review status: criteria provided, single submitter. Criteria: Myriad Autosomal Dominant, Autosomal Recessive and X-Linked Classification Criteria (2023). Collection method: clinical testing. Allele origin: unknown.
Comment: This variant is considered benign. This variant is a silent/synonymous amino acid change and it is not expected to impact splicing.

Literature cited by the submitters: PubMed 40580951 (cited by Ambry Genetics).

NM_000051.4(ATM):c.3282T>C (p.Asn1094=)

Gene: ATM (ATM serine/threonine kinase; plus strand). Cytogenetic location: 11q22.3.
Variant type: single nucleotide variant.
Coding change: c.3282T>C on transcript NM_000051.4 (MANE Select); coding-DNA position 3282, T replaced by C.
Protein change: p.Asn1094=; no amino-acid change (asparagine 1094 retained).
Molecular consequence: synonymous variant.
Genome position (GRCh38, 1-based): chr11:108,272,850, T>C. VCF-style: chr11-108272850-T-C. GRCh37 (hg19) VCF-style: chr11-108143577-T-C.
Other names: c.3282T>C, p.Asn1094= (NM_001351834.2).
Identifiers: ClinVar variation 3253916 (VCV003253916.3), dbSNP rs2546834664.